The following is an entry in ClinVar:

ClinVar aggregate classification (germline): Uncertain significance (1 of 4 stars; one submission).

Allele frequency attached by ClinVar (database versions not stated): gnomAD exomes below 0.00001; TOPMed below 0.00001; gnomAD 0.00001.
gnomAD v4.1: 4 of 1,601,802 alleles (0.00025%); highest among the groups gnomAD compares: Non-Finnish European, 0.00034%; no homozygotes.

Submission:

Labcorp Genetics (formerly Invitae), Labcorp
Classification: Uncertain significance. Last evaluated: 2023-10-03. Review status: criteria provided, single submitter. Criteria: Invitae Variant Classification Sherloc (09022015). Collection method: clinical testing. Allele origin: germline.
Comment: This sequence change replaces isoleucine, which is neutral and non-polar, with methionine, which is neutral and non-polar, at codon 93 of the LAMA3 protein (p.Ile93Met). This variant is not present in population databases (gnomAD no frequency). This variant has not been reported in the literature in individuals affected with LAMA3-related conditions. ClinVar contains an entry for this variant (Variation ID: 1968008). Algorithms developed to predict the effect of missense changes on protein structure and function output the following: SIFT: "Not Available"; PolyPhen-2: "Benign"; Align-GVGD: "Not Available". The methionine amino acid residue is found in multiple mammalian species, which suggests that this missense change does not adversely affect protein function. In summary, the available evidence is currently insufficient to determine the role of this variant in disease. Therefore, it has been classified as a Variant of Uncertain Significance.

NM_198129.4(LAMA3):c.5106A>G (p.Ile1702Met)

Gene: LAMA3 (laminin subunit alpha 3; plus strand). Cytogenetic location: 18q11.2.
Variant type: single nucleotide variant.
Coding change: c.5106A>G on transcript NM_198129.4 (MANE Select); coding-DNA position 5106, A replaced by G.
Protein change: p.Ile1702Met; replaces isoleucine 1702 with methionine.
Molecular consequence: missense variant.
Genome position (GRCh38, 1-based): chr18:23,876,401, A>G. VCF-style: chr18-23876401-A-G. GRCh37 (hg19) VCF-style: chr18-21456365-A-G.
Other names: c.279A>G, p.Ile93Met (NM_000227.6, NM_001127718.4); c.5106A>G, p.Ile1702Met (NM_001127717.4); short protein forms I1702M, I93M.
Identifiers: ClinVar variation 1968008 (VCV001968008.5), dbSNP rs1324675927, ClinGen allele CA402045082.